The following is an entry in ClinVar:

ClinVar aggregate classification (germline): Uncertain significance (1 of 4 stars; one submission).

gnomAD v4.1: 1 of 1,613,526 alleles (0.000062%); highest among the groups gnomAD compares: Non-Finnish European, 0.000085%; no homozygotes.

Submission:

Labcorp Genetics (formerly Invitae), Labcorp
Classification: Uncertain significance. Last evaluated: 2022-02-09. Review status: criteria provided, single submitter. Criteria: Invitae Variant Classification Sherloc (09022015). Collection method: clinical testing. Allele origin: germline.
Comment: In summary, the available evidence is currently insufficient to determine the role of this variant in disease. Therefore, it has been classified as a Variant of Uncertain Significance. Variants that disrupt the consensus splice site are a relatively common cause of aberrant splicing (PMID: 17576681, 9536098). Algorithms developed to predict the effect of sequence changes on RNA splicing suggest that this variant may disrupt the consensus splice site. This variant has not been reported in the literature in individuals affected with POLE-related conditions. This variant is not present in population databases (gnomAD no frequency). This sequence change falls in intron 40 of the POLE gene. It does not directly change the encoded amino acid sequence of the POLE protein. It affects a nucleotide within the consensus splice site.

Literature cited by the submitters: PubMed 17576681; PubMed 9536098.

NM_006231.4(POLE):c.5552+6T>C

Gene: POLE (DNA polymerase epsilon, catalytic subunit; minus strand). Cytogenetic location: 12q24.33.
Variant type: single nucleotide variant.
Coding change: c.5552+6T>C on transcript NM_006231.4 (MANE Select); 6 bases into the intron after coding-DNA position 5552, T replaced by C.
Molecular consequence: intron variant.
Genome position (GRCh38, 1-based): chr12:132,639,119, A>G on the plus strand (T>C on the coding strand, the complement: POLE is on the minus strand). VCF-style: chr12-132639119-A-G. GRCh37 (hg19) VCF-style: chr12-133215705-A-G.
Identifiers: ClinVar variation 2095781 (VCV002095781.4), dbSNP rs2138508078, ClinGen allele CA2580086164.